The following is an entry in ClinVar:

ClinVar aggregate classification (germline): Uncertain significance (1 of 4 stars; one submission).

Conditions:
Cardiomyopathy (CMYO). Also called: Cardiomyopathies. Identifiers: Orphanet 167848, MedGen C0878544, MONDO:0004994, HP:0001638. Inheritance: Various modes of inheritance.

gnomAD v4.1: 3 of 1,614,004 alleles (0.00019%); highest among the groups gnomAD compares: Non-Finnish European, 0.00017%; no homozygotes.

Submission:

Color Diagnostics, LLC DBA Color Health
Classification: Uncertain significance for Cardiomyopathy. Last evaluated: 2024-03-06. Review status: criteria provided, single submitter. Criteria: ACMG Guidelines, 2015. Collection method: clinical testing. Allele origin: germline.
Comment: This missense variant replaces isoleucine with valine at codon 1709 of the RYR2 protein. Computational prediction tool suggests that this variant may not impact protein structure and function (internally defined REVEL score threshold <=0.5, PMID: 27666373). Splice site prediction tools suggest that this variant may not impact RNA splicing. To our knowledge, functional studies have not been performed for this variant. This variant has not been reported in individuals affected with cardiovascular disorders in the literature. This variant has not been identified in the general population by the Genome Aggregation Database (gnomAD). The available evidence is insufficient to determine the role of this variant in disease conclusively. Therefore, this variant is classified as a Variant of Uncertain Significance.

NM_001035.3(RYR2):c.5125A>G (p.Ile1709Val)

Gene: RYR2 (ryanodine receptor 2; plus strand). Cytogenetic location: 1q43.
Variant type: single nucleotide variant.
Coding change: c.5125A>G on transcript NM_001035.3 (MANE Select); coding-DNA position 5125, A replaced by G.
Protein change: p.Ile1709Val; replaces isoleucine 1709 with valine.
Molecular consequence: missense variant.
Genome position (GRCh38, 1-based): chr1:237,614,253, A>G. VCF-style: chr1-237614253-A-G. GRCh37 (hg19) VCF-style: chr1-237777553-A-G.
Other names: short protein forms I1709V.
Identifiers: ClinVar variation 927511 (VCV000927511.4), dbSNP rs779944369, ClinGen allele CA345404070.